The following is an entry in ClinVar:

NM_006950.3(SYN1):c.517_525del (p.Lys173_Val175del)

Gene: SYN1 (synapsin I; minus strand). Cytogenetic location: Xp11.23.
Variant type: Deletion.
Coding change: c.517_525del on transcript NM_006950.3 (MANE Select); coding-DNA positions 517 to 525, 9 bases deleted (AAGGTCGTG; older notation c.517_525delAAGGTCGTG).
Protein change: p.Lys173_Val175del.
Molecular consequence: inframe deletion.
Genome position (GRCh38, 1-based): chrX:47,606,947-47,606,955, CACGACCTT deleted on the plus strand (AAGGTCGTG on the coding strand, the reverse complement: SYN1 is on the minus strand); deleting any 9 consecutive bases within chrX:47,606,947-47,606,958 gives the same sequence; the c. name uses the placement nearest the transcript's 3' end. VCF-style (leftmost placement, unchanged base first): chrX-47606946-GCACGACCTT-G. GRCh37 (hg19) VCF-style: chrX-47466345-GCACGACCTT-G.
Other names: c.517_525del, p.Lys173_Val175del (NM_133499.2).
Identifiers: ClinVar variation 1445656 (VCV001445656.8), dbSNP rs2147928561, ClinGen allele CA2573158931.
Genomic context (GRCh38, chrX:47,606,946, plus strand): 5'-CTCTAAGGGAGAGTTCTTATGCCTTGCTCATAACACCAAGGTACCCTTCTTATACTCACC[GCACGACCTT>G]CACCCCATTCCGAAGAACTTCCATATCCACAGAGAATCCACCATTGGCATGGGCCACAAG-3'

ClinVar aggregate classification (germline): Uncertain significance (1 of 4 stars; one submission).

Conditions:
Epilepsy, X-linked 1, with variable learning disabilities and behavior disorders. Also called: X-linked epilepsy-learning disabilities-behavior disorders syndrome. Identifiers: Orphanet 85294, MedGen C5774177, MONDO:0010339, OMIM 300491.

Submission:

Labcorp Genetics (formerly Invitae), Labcorp
Classification: Uncertain significance for Epilepsy, X-linked 1, with variable learning disabilities and behavior disorders. Last evaluated: 2021-06-16. Review status: criteria provided, single submitter. Criteria: Invitae Variant Classification Sherloc (09022015). Collection method: clinical testing. Allele origin: germline.
Comment: In summary, the available evidence is currently insufficient to determine the role of this variant in disease. Therefore, it has been classified as a Variant of Uncertain Significance. This variant has not been reported in the literature in individuals with SYN1-related conditions. This variant is not present in population databases (ExAC no frequency). This variant, c.517_525del, results in the deletion of 3 amino acid(s) of the SYN1 protein (p.Lys173_Val175del), but otherwise preserves the integrity of the reading frame.